The following is an entry in ClinVar:

ClinVar aggregate classification (germline): Uncertain significance (1 of 4 stars; one submission).

Allele frequency attached by ClinVar (database versions not stated): TOPMed 0.00006; ESP Exome Variant Server 0.00008; ExAC 0.00009; gnomAD 0.00009; gnomAD exomes 0.00011; 1000 Genomes Project 30x 0.00016; 1000 Genomes Project 0.00020.
gnomAD v4.1: 169 of 1,611,262 alleles (0.01%); highest among the groups gnomAD compares: South Asian, 0.016%; no homozygotes.

Submission:

Labcorp Genetics (formerly Invitae), Labcorp
Classification: Uncertain significance. Last evaluated: 2024-04-23. Review status: criteria provided, single submitter. Criteria: Invitae Variant Classification Sherloc (09022015). Collection method: clinical testing. Allele origin: germline.
Comment: This sequence change replaces arginine, which is basic and polar, with histidine, which is basic and polar, at codon 2171 of the HMCN1 protein (p.Arg2171His). This variant is present in population databases (rs376172871, gnomAD 0.02%). This variant has not been reported in the literature in individuals affected with HMCN1-related conditions. ClinVar contains an entry for this variant (Variation ID: 2142392). An algorithm developed to predict the effect of missense changes on protein structure and function (PolyPhen-2) suggests that this variant is likely to be disruptive. In summary, the available evidence is currently insufficient to determine the role of this variant in disease. Therefore, it has been classified as a Variant of Uncertain Significance.

NM_031935.3(HMCN1):c.6512G>A (p.Arg2171His)

Gene: HMCN1 (hemicentin 1; plus strand). Cytogenetic location: 1q31.1.
Variant type: single nucleotide variant.
Coding change: c.6512G>A on transcript NM_031935.3 (MANE Select); coding-DNA position 6512, G replaced by A.
Protein change: p.Arg2171His; replaces arginine 2171 with histidine.
Molecular consequence: missense variant.
Genome position (GRCh38, 1-based): chr1:186,048,774, G>A. VCF-style: chr1-186048774-G-A. GRCh37 (hg19) VCF-style: chr1-186017906-G-A.
Other names: short protein forms R2171H.
Identifiers: ClinVar variation 2142392 (VCV002142392.4), dbSNP rs376172871, ClinGen allele CA1292597.